The following is an entry in ClinVar:

ClinVar aggregate classification (germline): Uncertain significance. Review status: criteria provided, multiple submitters, no conflicts (2 of 4 stars). 7 submissions from 7 submitters: Uncertain significance (6). 1 of the submissions does not count toward it. Last evaluated 2025-10-07.

Conditions:
Cardiovascular phenotype. Identifiers: MedGen CN230736.
Glycogen storage disease, type II (IOPD). Also called: Glucosidase acid-1,4-alpha deficiency; Pompe Disease; POMPE DISEASE, INFANTILE-ONSET; GLYCOGEN STORAGE DISEASE II, INFANTILE-ONSET; ACID ALPHA-GLUCOSIDASE DEFICIENCY, INFANTILE-ONSET; GAA DEFICIENCY, INFANTILE-ONSET. Identifiers: Orphanet 365, MedGen C0017921, MONDO:0009290, OMIM 232300.

Allele frequency attached by ClinVar (database versions not stated): gnomAD 0.00001; TOPMed 0.00001.
gnomAD v4.1: 29 of 1,608,918 alleles (0.0018%); highest among the groups gnomAD compares: Non-Finnish European, 0.0023%; no homozygotes.

Submissions (7):

Ambry Genetics
Classification: Uncertain significance for Cardiovascular phenotype. Last evaluated: 2025-10-07. Review status: criteria provided, single submitter. Criteria: Ambry Variant Classification Scheme 2023. Collection method: clinical testing. Allele origin: germline.
Comment: The p.P425L variant (also known as c.1274C>T), located in coding exon 7 of the GAA gene, results from a C to T substitution at nucleotide position 1274. The proline at codon 425 is replaced by leucine, an amino acid with similar properties. This amino acid position is highly conserved in available vertebrate species. In addition, the in silico prediction for this alteration is inconclusive. Based on the available evidence, the clinical significance of this variant remains unclear.

Revvity Omics, Revvity
Classification: Uncertain significance. Last evaluated: 2022-09-28. Review status: criteria provided, single submitter. Criteria: ACMG Guidelines, 2015. Collection method: clinical testing. Allele origin: germline.

Labcorp Genetics (formerly Invitae), Labcorp
Classification: Uncertain significance for Glycogen storage disease, type II. Last evaluated: 2022-05-28. Review status: criteria provided, single submitter. Criteria: Invitae Variant Classification Sherloc (09022015). Collection method: clinical testing. Allele origin: germline.
Comment: This sequence change replaces proline, which is neutral and non-polar, with leucine, which is neutral and non-polar, at codon 425 of the GAA protein (p.Pro425Leu). The frequency data for this variant in the population databases is considered unreliable, as metrics indicate poor data quality at this position in the gnomAD database. This variant has not been reported in the literature in individuals affected with GAA-related conditions. ClinVar contains an entry for this variant (Variation ID: 456372). Advanced modeling of protein sequence and biophysical properties (such as structural, functional, and spatial information, amino acid conservation, physicochemical variation, residue mobility, and thermodynamic stability) performed at Invitae indicates that this missense variant is expected to disrupt GAA protein function. In summary, the available evidence is currently insufficient to determine the role of this variant in disease. Therefore, it has been classified as a Variant of Uncertain Significance.

GeneDx
Classification: Uncertain significance. Last evaluated: 2022-02-11. Review status: criteria provided, single submitter. Criteria: GeneDx Variant Classification Process June 2021. Collection method: clinical testing. Allele origin: germline. Affected: yes.
Comment: Not observed at significant frequency in large population cohorts (gnomAD); In silico analysis supports that this missense variant has a deleterious effect on protein structure/function; Has not been previously published as pathogenic or benign to our knowledge; Reported in ClinVar but additional evidence is not available (ClinVar Variant ID#456372); This variant is associated with the following publications: (PMID: 22253258, 19343043)

Genome-Nilou Lab
Classification: Uncertain significance for Glycogen storage disease, type II. Last evaluated: 2021-09-05. Review status: criteria provided, single submitter. Criteria: ACMG Guidelines, 2015. Collection method: clinical testing. Allele origin: germline. Affected: no.

Illumina Laboratory Services, Illumina
Classification: Uncertain significance for Glycogen storage disease, type II. Last evaluated: 2017-04-27. Review status: criteria provided, single submitter. Criteria: ICSL Variant Classification Criteria 13 December 2019. Collection method: clinical testing. Allele origin: germline.

Natera, Inc.
Classification: Uncertain significance for Glycogen storage disease type II. Last evaluated: 2020-09-16. Review status: no assertion criteria provided. Collection method: clinical testing. Allele origin: germline. Not counted in ClinVar's aggregate classification.

NM_000152.5(GAA):c.1274C>T (p.Pro425Leu)

Gene: GAA (alpha glucosidase; plus strand). Cytogenetic location: 17q25.3.
Variant type: single nucleotide variant.
Coding change: c.1274C>T on transcript NM_000152.5 (MANE Select); coding-DNA position 1274, C replaced by T.
Protein change: p.Pro425Leu; replaces proline 425 with leucine.
Molecular consequence: missense variant.
Genome position (GRCh38, 1-based): chr17:80,108,776, C>T. VCF-style: chr17-80108776-C-T. GRCh37 (hg19) VCF-style: chr17-78082575-C-T.
Other names: c.1274C>T (LRG_673t1); c.1274C>T, p.Pro425Leu (NM_001079803.3, NM_001079804.3); short protein forms P425L.
Identifiers: ClinVar variation 456372 (VCV000456372.17), dbSNP rs765235868, ClinGen allele CA8815246.